The following is an entry in ClinVar:

NM_182961.4(SYNE1):c.16763A>G (p.Glu5588Gly)

Genes: SYNE1 (spectrin repeat containing nuclear envelope protein 1; minus strand), LOC126859837 (BRD4-independent group 4 enhancer GRCh37_chr6:152630775-152631974; plus strand). Cytogenetic location: 6q25.2.
Variant type: single nucleotide variant.
Coding change: c.16763A>G on transcript NM_182961.4 (MANE Select); coding-DNA position 16763, A replaced by G.
Protein change: p.Glu5588Gly; replaces glutamic acid 5588 with glycine.
Molecular consequence: missense variant.
Genome position (GRCh38, 1-based): chr6:152,310,821, T>C on the plus strand (A>G on the coding strand, the complement: SYNE1 is on the minus strand). VCF-style: chr6-152310821-T-C. GRCh37 (hg19) VCF-style: chr6-152631956-T-C.
Other names: c.16550A>G, p.Glu5517Gly (NM_033071.5); short protein forms E5517G, E5588G.
Identifiers: ClinVar variation 1965520 (VCV001965520.5), dbSNP rs2482810642, ClinGen allele CA366108143.

ClinVar aggregate classification (germline): Uncertain significance (1 of 4 stars; one submission).

Conditions:
Emery-Dreifuss muscular dystrophy 4, autosomal dominant (EDMD4). Also called: EMERY-DREIFUSS MUSCULAR DYSTROPHY 4 WITH VARIABLE FEATURES. Identifiers: Orphanet 261, MedGen C2751807, MONDO:0013071, OMIM 612998.
Autosomal recessive ataxia, Beauce type. Also called: SYNE1 Deficiency; Spinocerebellar ataxia, autosomal recessive 8; ATAXIA, RECESSIVE, OF BEAUCE; SYNE1-Related Autosomal Recessive Cerebellar Ataxia. Identifiers: Orphanet 88644, MedGen C1853116, MONDO:0012549, OMIM 610743.

Submission:

Labcorp Genetics (formerly Invitae), Labcorp
Classification: Uncertain significance for Emery-Dreifuss muscular dystrophy 4, autosomal dominant; Autosomal recessive ataxia, Beauce type. Last evaluated: 2022-08-04. Review status: criteria provided, single submitter. Criteria: Invitae Variant Classification Sherloc (09022015). Collection method: clinical testing. Allele origin: germline.
Comment: In summary, the available evidence is currently insufficient to determine the role of this variant in disease. Therefore, it has been classified as a Variant of Uncertain Significance. Algorithms developed to predict the effect of missense changes on protein structure and function are either unavailable or do not agree on the potential impact of this missense change (SIFT: "Deleterious"; PolyPhen-2: "Possibly Damaging"; Align-GVGD: "Class C0"). This variant has not been reported in the literature in individuals affected with SYNE1-related conditions. This variant is not present in population databases (gnomAD no frequency). This sequence change replaces glutamic acid, which is acidic and polar, with glycine, which is neutral and non-polar, at codon 5517 of the SYNE1 protein (p.Glu5517Gly).